The following is an entry in ClinVar:

NM_001846.4(COL4A2):c.1517G>A (p.Gly506Asp)

Genes: COL4A2 (collagen type IV alpha 2 chain; plus strand), COL4A2-AS2 (COL4A2 antisense RNA 2; minus strand). Cytogenetic location: 13q34.
Variant type: single nucleotide variant.
Coding change: c.1517G>A on transcript NM_001846.4 (MANE Select); coding-DNA position 1517, G replaced by A.
Protein change: p.Gly506Asp; replaces glycine 506 with aspartic acid.
Molecular consequence: missense variant.
Genome position (GRCh38, 1-based): chr13:110,458,855, G>A. VCF-style: chr13-110458855-G-A. GRCh37 (hg19) VCF-style: chr13-111111202-G-A.
Other names: short protein forms G506D.
Identifiers: ClinVar variation 932136 (VCV000932136.3), dbSNP rs1881894360, ClinGen allele CA388736586.
Genomic context (GRCh38, chr13:110,458,855, plus strand): 5'-CAGAAGGCGACGAAGCTATCAAAGGTCTTCCGGGACTGCCAGGACCCAAGGGCTTCGCAG[G>A]CATCAACGGGGAGCCGGGGAGGAAAGGGGACAGAGGAGACCCCGGCCAACACGGCCTCCC-3'
Protein context (NP_001837.2, residues 496-516): PGLPGPKGFA[Gly506Asp]INGEPGRKGD

ClinVar aggregate classification (germline): Uncertain significance (1 of 4 stars; one submission).

Conditions:
Brain small vessel disease 2A, autosomal dominant. Also called: Porencephaly 2. Identifiers: Orphanet 2940, Orphanet 99810, MedGen C3280970, MONDO:0013773, OMIM 614483.

Submission:

Centre for Mendelian Genomics, University Medical Centre Ljubljana
Classification: Uncertain significance for Brain small vessel disease 2A, autosomal dominant. Last evaluated: 2019-08-20. Review status: criteria provided, single submitter. Criteria: ACMG Guidelines, 2015. Collection method: clinical testing. Allele origin: unknown. Affected: yes.
Comment: This variant was classified as: Uncertain significance. The available evidence favors the pathogenic nature of this variant, however the currently available data is insufficient to conclusively support its pathogenic nature. Thus this variant is classified as Uncertain significance - favor pathogenic. The following ACMG criteria were applied in classifying this variant: PM2,PP3.